The following is an entry in ClinVar:

ClinVar aggregate classification (germline): Uncertain significance (1 of 4 stars; one submission).

Submission:

Labcorp Genetics (formerly Invitae), Labcorp
Classification: Uncertain significance. Last evaluated: 2025-07-15. Review status: criteria provided, single submitter. Criteria: Invitae Variant Classification Sherloc (09022015). Collection method: clinical testing. Allele origin: germline.
Comment: This sequence change replaces glutamine, which is neutral and polar, with glutamic acid, which is acidic and polar, at codon 287 of the IL6ST protein (p.Gln287Glu). This variant is not present in population databases (gnomAD no frequency). This variant has not been reported in the literature in individuals affected with IL6ST-related conditions. ClinVar contains an entry for this variant (Variation ID: 1713416). An algorithm developed to predict the effect of missense changes on protein structure and function (PolyPhen-2) suggests that this variant is likely to be disruptive. In summary, the available evidence is currently insufficient to determine the role of this variant in disease. Therefore, it has been classified as a Variant of Uncertain Significance.

NM_002184.4(IL6ST):c.859C>G (p.Gln287Glu)

Gene: IL6ST (interleukin 6 cytokine family signal transducer; minus strand). Cytogenetic location: 5q11.2.
Variant type: single nucleotide variant.
Coding change: c.859C>G on transcript NM_002184.4 (MANE Select); coding-DNA position 859, C replaced by G.
Protein change: p.Gln287Glu; replaces glutamine 287 with glutamic acid.
Molecular consequence: missense variant. On other transcripts: non-coding transcript variant (2), 5 prime UTR variant (3).
Genome position (GRCh38, 1-based): chr5:55,960,516, G>C on the plus strand (C>G on the coding strand, the complement: IL6ST is on the minus strand). VCF-style: chr5-55960516-G-C. GRCh37 (hg19) VCF-style: chr5-55256344-G-C.
Other names: c.859C>G, p.Gln287Glu (NM_175767.3, NM_001190981.2, NM_001364275.2); c.649C>G, p.Gln217Glu (NM_001364276.2); c.-55C>G (NM_001364277.2, NM_001364279.2); c.-45C>G (NM_001364278.2); short protein forms Q217E, Q287E.
Identifiers: ClinVar variation 1713416 (VCV001713416.5), dbSNP rs2533528145, ClinGen allele CA359765579.